The following is an entry in ClinVar:

NM_006421.5(ARFGEF1):c.3699_3705del (p.Gln1233fs)

Gene: ARFGEF1 (ARF guanine nucleotide exchange factor 1; minus strand). Cytogenetic location: 8q13.2.
Variant type: Deletion.
Coding change: c.3699_3705del on transcript NM_006421.5 (MANE Select); coding-DNA positions 3699 to 3705, 7 bases deleted (GAAGGAT; older notation c.3699_3705delGAAGGAT).
Protein change: p.Gln1233fs; shifts the reading frame from glutamine 1233.
Molecular consequence: frameshift variant. On other transcripts: non-coding transcript variant (1).
Genome position (GRCh38, 1-based): chr8:67,227,485-67,227,491, ATCCTTC deleted on the plus strand (GAAGGAT on the coding strand, the reverse complement: ARFGEF1 is on the minus strand). VCF-style (leftmost placement, unchanged base first): chr8-67227484-AATCCTTC-A. GRCh37 (hg19) VCF-style: chr8-68139719-AATCCTTC-A.
Other names: c.3699_3705del, p.Gln1233fs (NM_001413184.1, NM_001413185.1, NM_001413186.1 and 6 more transcripts); c.3099_3105del, p.Gln1033fs (NM_001413188.1, NM_001413193.1, NM_001413197.1); c.3693_3699del, p.Gln1231fs (NM_001413190.1); c.2274_2280del, p.Gln758fs (NM_001413196.1); short protein forms Q1033fs, Q1231fs, Q1233fs, Q758fs.
Identifiers: ClinVar variation 2632330 (VCV002632330.1), dbSNP rs2491365757, ClinGen allele CA2695201479.

ClinVar aggregate classification (germline): Likely pathogenic (1 of 4 stars; one submission).

Conditions:
ARFGEF1-related disorder. Also called: ARFGEF1-related condition.

Submission:

PreventionGenetics, part of Exact Sciences
Classification: Likely pathogenic for ARFGEF1-related condition. Last evaluated: 2023-06-24. Review status: criteria provided, single submitter. Criteria: ACMG Guidelines, 2015. Collection method: clinical testing. Allele origin: germline.
Comment: The ARFGEF1 c.3699_3705del7 variant is predicted to result in a frameshift and premature protein termination (p.Gln1233Hisfs*3). To our knowledge, this variant has not been reported in the literature or in a large population database, indicating this variant is rare. Another variant, predicted to result in a similar protein truncation c.3697C>T p.(Gln1233*), was reported in two related individuals with variable developmental delays and dysmorphic features, and was inherited from a mildly affected parent (Figure 1A and Table 1, Thomas et al. 2021. PubMed ID: 34113008). Frameshift variants in ARFGEF1 are expected to be pathogenic. This variant is interpreted as likely pathogenic.